The following is an entry in ClinVar:

NM_198994.3(TGM6):c.1656C>T (p.Ala552=)

Gene: TGM6 (transglutaminase 6; plus strand). Cytogenetic location: 20p13.
Variant type: single nucleotide variant.
Coding change: c.1656C>T on transcript NM_198994.3 (MANE Select); coding-DNA position 1656, C replaced by T.
Protein change: p.Ala552=; no amino-acid change (alanine 552 retained).
Molecular consequence: synonymous variant.
Genome position (GRCh38, 1-based): chr20:2,417,551, C>T. VCF-style: chr20-2417551-C-T. GRCh37 (hg19) VCF-style: chr20-2398197-C-T.
Other names: c.1656C>T, p.Ala552= (NM_001254734.2).
Identifiers: ClinVar variation 337933 (VCV000337933.17), dbSNP rs75601099, ClinGen allele CA9732157.

ClinVar aggregate classification (germline): Benign/Likely benign. Review status: criteria provided, multiple submitters, no conflicts (2 of 4 stars). 5 submissions from 5 submitters: Benign (4); Likely benign (1). Last evaluated 2026-01-12.

Conditions:
Spinocerebellar ataxia type 35. Identifiers: Orphanet 276193, MedGen C3888031, MONDO:0013485, OMIM 613908.

Allele frequency attached by ClinVar (database versions not stated): gnomAD exomes 0.00052 and 0.00146; ExAC 0.00185; 1000 Genomes Project 30x 0.00484; 1000 Genomes Project 0.00499; gnomAD 0.00584 and 0.00634; ESP Exome Variant Server 0.00623; TOPMed 0.00635.
gnomAD v4.1: 1,661 of 1,603,380 alleles (0.1%); highest among the groups gnomAD compares: African/African-American, 2%; 13 homozygotes.

Submissions (5):

Labcorp Genetics (formerly Invitae), Labcorp
Classification: Benign. Last evaluated: 2026-01-12. Review status: criteria provided, single submitter. Criteria: Invitae Variant Classification Sherloc (09022015). Collection method: clinical testing. Allele origin: germline.

Athena Diagnostics
Classification: Benign. Last evaluated: 2024-10-09. Review status: criteria provided, single submitter. Criteria: Athena Diagnostics Criteria. Collection method: clinical testing. Allele origin: unknown.

Fulgent Genetics
Classification: Likely benign for Spinocerebellar ataxia type 35. Last evaluated: 2021-08-06. Review status: criteria provided, single submitter. Criteria: ACMG Guidelines, 2015. Collection method: clinical testing. Allele origin: unknown.

Illumina Laboratory Services, Illumina
Classification: Benign for Spinocerebellar ataxia type 35. Last evaluated: 2018-01-12. Review status: criteria provided, single submitter. Criteria: ICSL Variant Classification Criteria 13 December 2019. Collection method: clinical testing. Allele origin: germline.
Comment: This variant was observed in the ICSL laboratory as part of a predisposition screen in an ostensibly healthy population. It had not been previously curated by ICSL or reported in the Human Gene Mutation Database (HGMD: prior to June 1st, 2018), and was therefore a candidate for classification through an automated scoring system. Utilizing variant allele frequency, disease prevalence and penetrance estimates, and inheritance mode, an automated score was calculated to assess if this variant is too frequent to cause the disease. Based on the score and internal cut-off values, a variant classified as benign is not then subjected to further curation. The score for this variant resulted in a classification of benign for this disease.

Breakthrough Genomics
Classification: Benign. Review status: criteria provided, single submitter. Criteria: ACMG Guidelines, 2015. Collection method: not provided. Allele origin: germline. Inheritance: Autosomal dominant inheritance. Affected: yes.